The following is an entry in ClinVar:

ClinVar aggregate classification (germline): Uncertain significance (1 of 4 stars; one submission).

Conditions:
Neurofibromatosis, type 1 (NF1). Also called: NEUROFIBROMATOSIS, TYPE I, SOMATIC; Neurofibromatosis, type I; Peripheral type neurofibromatosis; VON RECKLINGHAUSEN DISEASE. Identifiers: Orphanet 636, MedGen C0027831, MONDO:0018975, OMIM 162200. Disease mechanism: loss of function.

Submission:

Labcorp Genetics (formerly Invitae), Labcorp
Classification: Uncertain significance for Neurofibromatosis, type 1. Last evaluated: 2024-08-30. Review status: criteria provided, single submitter. Criteria: Invitae Variant Classification Sherloc (09022015). Collection method: clinical testing. Allele origin: germline.
Comment: This sequence change replaces lysine, which is basic and polar, with glutamine, which is neutral and polar, at codon 609 of the NF1 protein (p.Lys609Gln). This variant is not present in population databases (gnomAD no frequency). This variant has not been reported in the literature in individuals affected with NF1-related conditions. ClinVar contains an entry for this variant (Variation ID: 2112019). Invitae Evidence Modeling of protein sequence and biophysical properties (such as structural, functional, and spatial information, amino acid conservation, physicochemical variation, residue mobility, and thermodynamic stability) has been performed for this missense variant. However, the output from this modeling did not meet the statistical confidence thresholds required to predict the impact of this variant on NF1 protein function. In summary, the available evidence is currently insufficient to determine the role of this variant in disease. Therefore, it has been classified as a Variant of Uncertain Significance.

NM_001042492.3(NF1):c.1825A>C (p.Lys609Gln)

Gene: NF1 (neurofibromin 1; plus strand). Cytogenetic location: 17q11.2.
Variant type: single nucleotide variant.
Coding change: c.1825A>C on transcript NM_001042492.3 (MANE Select); coding-DNA position 1825, A replaced by C.
Protein change: p.Lys609Gln; replaces lysine 609 with glutamine.
Molecular consequence: missense variant.
Genome position (GRCh38, 1-based): chr17:31,223,547, A>C. VCF-style: chr17-31223547-A-C. GRCh37 (hg19) VCF-style: chr17-29550565-A-C.
Other names: c.1825A>C, p.Lys609Gln (NM_000267.4); short protein forms K609Q.
Identifiers: ClinVar variation 2112019 (VCV002112019.4), dbSNP rs2144017084, ClinGen allele CA399004589.